The following is an entry in ClinVar:

ClinVar aggregate classification (germline): Likely benign (1 of 4 stars; one submission).

Conditions:
Long QT syndrome (LQTS). Identifiers: MedGen C0023976, MeSH D008133, MONDO:0002442. Disease mechanism: loss of function. Inheritance: Various modes of inheritance.

Submissions (2):

Labcorp Genetics (formerly Invitae), Labcorp
Classification: Likely benign for Long QT syndrome. Last evaluated: 2021-08-24. Review status: criteria provided, single submitter. Criteria: Invitae Variant Classification Sherloc (09022015). Collection method: clinical testing. Allele origin: germline.

Roden Lab, Vanderbilt University Medical Center
No classification provided (evidence only). Condition: Long QT syndrome 5. Review status: no classification provided. Collection method: in vitro. Allele origin: not applicable. Functional consequence: Effect on ion channel function. Not counted in ClinVar's aggregate classification.
ClinVar note: "not provided" was previously submitted as the classification for the variant. However, the classification appeared to be based only on an observation of functional data so it was converted to no classification on 2025-07-30.

NM_000219.6(KCNE1):c.60A>G (p.Thr20=)

Gene: KCNE1 (potassium voltage-gated channel subfamily E regulatory subunit 1; minus strand). Cytogenetic location: 21q22.12.
Variant type: single nucleotide variant.
Coding change: c.60A>G on transcript NM_000219.6 (MANE Select); coding-DNA position 60, A replaced by G.
Protein change: p.Thr20=; no amino-acid change (threonine 20 retained).
Molecular consequence: synonymous variant.
Genome position (GRCh38, 1-based): chr21:34,449,575, T>C on the plus strand (A>G on the coding strand, the complement: KCNE1 is on the minus strand). VCF-style: chr21-34449575-T-C. GRCh37 (hg19) VCF-style: chr21-35821873-T-C.
Other names: c.60A>G, p.Thr20= (NM_001127668.4, NM_001127669.4, NM_001127670.4 and 4 more transcripts).
Identifiers: ClinVar variation 1623549 (VCV001623549.10), dbSNP rs2123459519, ClinGen allele CA2573157406.
Genomic context (GRCh38, chr21:34,449,575, plus strand): 5'-GCCGTCACTGCTGCGGGGGGACCTGCGGGCCAGGCCCGACATGTTGCCACCCTGCTGAAC[T>C]GTCTCCTGCCACAGCTTGGTCAGAAAGGGCGTCACCGCTGTGGTGTTAGACAGGATCATC-3'
Protein context (NP_000210.2, residues 10-30): TPFLTKLWQE[Thr20=]VQQGGNMSGL